The following is an entry in ClinVar:

NM_001374736.1(DST):c.19942G>A (p.Val6648Ile)

Gene: DST (dystonin; minus strand). Cytogenetic location: 6p12.1.
Variant type: single nucleotide variant.
Coding change: c.19942G>A on transcript NM_001374736.1 (MANE Select); coding-DNA position 19942, G replaced by A.
Protein change: p.Val6648Ile; replaces valine 6648 with isoleucine.
Molecular consequence: missense variant.
Genome position (GRCh38, 1-based): chr6:56,498,008, C>T on the plus strand (G>A on the coding strand, the complement: DST is on the minus strand). VCF-style: chr6-56498008-C-T. GRCh37 (hg19) VCF-style: chr6-56362806-C-T.
Other names: c.13585G>A, p.Val4529Ile (NM_001144769.5); c.13171G>A, p.Val4391Ile (NM_001144770.2); c.19942G>A, p.Val6648Ile (NM_001374722.1); c.18982G>A, p.Val6328Ile (NM_001374729.1); c.12724G>A, p.Val4242Ile (NM_001374730.1); c.19969G>A, p.Val6657Ile (NM_001374734.1); c.13051G>A, p.Val4351Ile (NM_001386100.1, NM_183380.4); c.12073G>A, p.Val4025Ile (NM_015548.5); short protein forms V4025I, V6328I, V4529I, V6657I, V4391I, V4242I, V4351I, V6648I.
Identifiers: ClinVar variation 1041582 (VCV001041582.7), dbSNP rs754970520, ClinGen allele CA3866872.

ClinVar aggregate classification (germline): Uncertain significance. Review status: criteria provided, multiple submitters, no conflicts (2 of 4 stars). 2 submissions from 2 submitters: Uncertain significance (2). Last evaluated 2023-11-27.

Conditions:
Epidermolysis bullosa simplex 3, localized or generalized intermediate, with BP230 deficiency (EBS3). Also called: Epidermolysis bullosa simplex, autosomal recessive 2; Epidermolysis bullosa simplex due to BP230 deficiency. Identifiers: Orphanet 412181, MedGen C3809470, MONDO:0014180, OMIM 615425.
Hereditary sensory and autonomic neuropathy type 6. Also called: Neuropathy, hereditary sensory and autonomic, type VI; HSAN VI. Identifiers: Orphanet 314381, MedGen C3539003, MONDO:0013839, OMIM 614653.
Inborn genetic diseases. Identifiers: MedGen C0950123, MeSH D030342.

Allele frequency attached by ClinVar (database versions not stated): TOPMed 0.00001; gnomAD 0.00002.
gnomAD v4.1: 11 of 1,613,294 alleles (0.00068%); highest among the groups gnomAD compares: South Asian, 0.0011%; no homozygotes.

Submissions (2):

Labcorp Genetics (formerly Invitae), Labcorp
Classification: Uncertain significance for Epidermolysis bullosa simplex 3, localized or generalized intermediate, with BP230 deficiency; Hereditary sensory and autonomic neuropathy type 6. Last evaluated: 2023-11-27. Review status: criteria provided, single submitter. Criteria: Invitae Variant Classification Sherloc (09022015). Collection method: clinical testing. Allele origin: germline.
Comment: The DST gene has multiple clinically relevant transcripts. This variant occurs in alternate transcript NM_015548.4, and corresponds to NM_001723.5:c.*117509G>A in the primary transcript. This sequence change replaces valine, which is neutral and non-polar, with isoleucine, which is neutral and non-polar, at codon 4025 of the DST protein (p.Val4025Ile). This variant is present in population databases (rs754970520, gnomAD 0.0009%). This variant has not been reported in the literature in individuals affected with DST-related conditions. Experimental studies and prediction algorithms are not available or were not evaluated, and the functional significance of this variant is currently unknown. In summary, the available evidence is currently insufficient to determine the role of this variant in disease. Therefore, it has been classified as a Variant of Uncertain Significance.

Ambry Genetics
Classification: Uncertain significance for Inborn genetic diseases. Last evaluated: 2020-10-13. Review status: criteria provided, single submitter. Criteria: Ambry Variant Classification Scheme 2023. Collection method: clinical testing. Allele origin: germline.
Comment: The p.V4529I variant (also known as c.13585G>A), located in coding exon 75 of the DST gene, results from a G to A substitution at nucleotide position 13585. The valine at codon 4529 is replaced by isoleucine, an amino acid with highly similar properties. This amino acid position is highly conserved in available vertebrate species. In addition, this alteration is predicted to be tolerated by in silico analysis. Since supporting evidence is limited at this time, the clinical significance of this alteration remains unclear.